The following is an entry in ClinVar:

NM_000152.5(GAA):c.733T>G (p.Phe245Val)

Gene: GAA (alpha glucosidase; plus strand). Cytogenetic location: 17q25.3.
Variant type: single nucleotide variant.
Coding change: c.733T>G on transcript NM_000152.5 (MANE Select); coding-DNA position 733, T replaced by G.
Protein change: p.Phe245Val; replaces phenylalanine 245 with valine.
Molecular consequence: missense variant.
Genome position (GRCh38, 1-based): chr17:80,107,597, T>G. VCF-style: chr17-80107597-T-G. GRCh37 (hg19) VCF-style: chr17-78081396-T-G.
Other names: c.733T>G, p.Phe245Val (NM_001079803.3, NM_001079804.3, NM_001406741.1 and 1 more transcripts); c.733T>G (NM_000152.4); short protein forms F245V.
Identifiers: ClinVar variation 2149270 (VCV002149270.4), dbSNP rs1046519954, ClinGen allele CA294889597.

ClinVar aggregate classification (germline): Uncertain significance. Review status: criteria provided, single submitter (1 of 4 stars). 2 submissions from 2 submitters: Uncertain significance (1). 1 of the submissions does not count toward it. Last evaluated 2024-08-11.

Conditions:
Glycogen storage disease, type II (IOPD). Also called: POMPE DISEASE, INFANTILE-ONSET; GLYCOGEN STORAGE DISEASE II, INFANTILE-ONSET; ACID ALPHA-GLUCOSIDASE DEFICIENCY, INFANTILE-ONSET; GAA DEFICIENCY, INFANTILE-ONSET; ACID MALTASE DEFICIENCY, INFANTILE-ONSET; CARDIOMEGALIA GLYCOGENICA DIFFUSA. Identifiers: Orphanet 365, MedGen C0017921, MONDO:0009290, OMIM 232300.

Allele frequency attached by ClinVar (database versions not stated): gnomAD 0.00001; gnomAD exomes 0.00001.
gnomAD v4.1: 4 of 1,613,076 alleles (0.00025%); highest among the groups gnomAD compares: Non-Finnish European, 0.00034%; no homozygotes.

Submissions (2):

Labcorp Genetics (formerly Invitae), Labcorp
Classification: Uncertain significance for Glycogen storage disease, type II. Last evaluated: 2024-08-11. Review status: criteria provided, single submitter. Criteria: Invitae Variant Classification Sherloc (09022015). Collection method: clinical testing. Allele origin: germline.
Comment: This sequence change replaces phenylalanine, which is neutral and non-polar, with valine, which is neutral and non-polar, at codon 245 of the GAA protein (p.Phe245Val). This variant is not present in population databases (gnomAD no frequency). This variant has not been reported in the literature in individuals affected with GAA-related conditions. ClinVar contains an entry for this variant (Variation ID: 2149270). Advanced modeling of protein sequence and biophysical properties (such as structural, functional, and spatial information, amino acid conservation, physicochemical variation, residue mobility, and thermodynamic stability) performed at Invitae indicates that this missense variant is expected to disrupt GAA protein function with a positive predictive value of 95%. In summary, the available evidence is currently insufficient to determine the role of this variant in disease. Therefore, it has been classified as a Variant of Uncertain Significance.

Natera, Inc.
Classification: Uncertain significance for Glycogen storage disease type II. Last evaluated: 2025-01-24. Review status: no assertion criteria provided. Collection method: clinical testing. Allele origin: germline. Not counted in ClinVar's aggregate classification.